The following is an entry in ClinVar:

NM_001135146.2(SLC39A8):c.1171G>A (p.Ala391Thr)

Genes: SLC39A8 (solute carrier family 39 member 8; minus strand), LOC126807125 (MED14-independent group 3 enhancer GRCh37_chr4:103188587-103189786; plus strand). Cytogenetic location: 4q24.
Variant type: single nucleotide variant.
Coding change: c.1171G>A on transcript NM_001135146.2 (MANE Select); coding-DNA position 1171, G replaced by A.
Protein change: p.Ala391Thr; replaces alanine 391 with threonine.
Molecular consequence: missense variant.
Genome position (GRCh38, 1-based): chr4:102,267,552, C>T on the plus strand (G>A on the coding strand, the complement: SLC39A8 is on the minus strand). VCF-style: chr4-102267552-C-T. GRCh37 (hg19) VCF-style: chr4-103188709-C-T.
Other names: SLC39A8, ALA391THR (rs13107325); p.Ala391Thr; c.1171G>A (NM_001135146.1); c.1171G>A, p.Ala391Thr (NM_001135147.1, NM_022154.5); c.970G>A, p.Ala324Thr (NM_001135148.2); short protein forms A324T, A391T.
Identifiers: ClinVar variation 1271175 (VCV001271175.14), dbSNP rs13107325, ClinGen allele CA3025496.

ClinVar aggregate classification (germline): Conflicting classifications of pathogenicity. Review status: criteria provided, conflicting classifications (1 of 4 stars). 8 submissions from 7 submitters: Uncertain significance (2); Benign (4); Likely benign (1). 1 of the submissions does not count toward it. Last evaluated 2026-07-10.

Conditions:
SLC39A8-CDG. Also called: CONGENITAL DISORDER OF GLYCOSYLATION, TYPE IIn; CDG IIn; SLC39A8 deficiency. Identifiers: Orphanet 468699, MedGen C4225234, MONDO:0014746, OMIM 616721.
Inflammatory bowel disease 1 (IBD1). Also called: INFLAMMATORY BOWEL DISEASE (CROHN DISEASE) 1; Inflammatory bowel disease 1, Crohn disease. Identifiers: MedGen CN260071, MONDO:0009960, OMIM 266600.

Allele frequency attached by ClinVar (database versions not stated): 1000 Genomes Project 30x 0.02342; 1000 Genomes Project 0.02356; gnomAD 0.04476 and 0.04560; TOPMed 0.04927; ESP Exome Variant Server 0.05528.
gnomAD v4.1: 99,798 of 1,613,550 alleles (6.2%); highest among the groups gnomAD compares: Non-Finnish European, 7.4%; 3,734 homozygotes.

Submissions (8):

Undiagnosed Diseases Network, NIH
Classification: Uncertain significance for SLC39A8-CDG. Last evaluated: 2026-07-10. Review status: criteria provided, single submitter. Criteria: ACMG Guidelines, 2015. Collection method: clinical testing. Allele origin: unknown. Inheritance: Autosomal recessive inheritance. Affected: yes. Observed: 1 variant allele, 1 compound heterozygote. Study: Undiagnosed Diseases Network, UDN.
Comment: This variant is very common in gnomAD v4, with over 3,000 homozygotes (BA1, BS2), and largely benign-leaning in silico predicgitons (BP4); however, it has been identified ask a risk for Crohn's diease, altered gut microbiome composition, and schizophrenia, and multiple publications have shown it resutls in reduced manganse and in glycosylation defects (PS3) (PMID:27492617;36056013;33139556;40963256;39322808). Identified in trans (likely) with a novel missense varant.

Undiagnosed Diseases Network, NIH
Classification: Uncertain significance for SLC39A8-CDG. Last evaluated: 2026-05-14. Review status: criteria provided, single submitter. Criteria: ACMG Guidelines, 2015. Collection method: clinical testing. Allele origin: paternal. Affected: yes. Observed: 2 variant alleles, 2 compound heterozygotes. Clinical features observed: Abnormal cerebral white matter morphology (HP:0002500), Global developmental delay (HP:0001263), Generalized hypotonia (HP:0001290), Nystagmus (HP:0000639), Eczematoid dermatitis (HP:0000964). Study: Undiagnosed Diseases Network (NIH), UDN.
Comment: In our study, we observed 5 individuals where the p.Ala391Thr variant is present in trans with a severe deleterious variant in patients presenting a clinical phenotype compatible with SLC39A8-CDG (CDG2N). Although these data are not yet confirmatory, they raise the possibility that p.Ala391Thr acts as a hypomorphic allele when inherited in trans with a pathogenic loss-of-function (LoF) variant.

Labcorp Genetics (formerly Invitae), Labcorp
Classification: Benign. Last evaluated: 2026-02-02. Review status: criteria provided, single submitter. Criteria: Invitae Variant Classification Sherloc (09022015). Collection method: clinical testing. Allele origin: germline.

Blueprint Genetics
Classification: Likely benign. Last evaluated: 2024-11-26. Review status: criteria provided, single submitter. Criteria: ACMG Guidelines, 2015. Collection method: clinical testing. Allele origin: germline.

Mayo Clinic Laboratories, Mayo Clinic
Classification: Benign. Last evaluated: 2023-03-29. Review status: criteria provided, single submitter. Criteria: ACMG Guidelines, 2015. Collection method: clinical testing. Allele origin: germline. Observed: 2 variant alleles.
Comment: BA1, BP4

GeneDx
Classification: Benign. Last evaluated: 2019-09-09. Review status: criteria provided, single submitter. Criteria: GeneDx Variant Classification Process June 2021. Collection method: clinical testing. Allele origin: germline. Affected: yes.
Comment: This variant is associated with the following publications: (PMID: 33139556, 31513097, 31178129, 30649180, 30389748, 30703110, 30211179, 22318508, 24514587, 26471164, 25130547, 26084690, 30301978, 27492617, 28296976, 27466201, 26908625, 21909115, 28008009, 20935630, 22078303, 21935397, 26006263, 26102734, 28557351, 27111133, 29952128)

Breakthrough Genomics
Classification: Benign. Review status: criteria provided, single submitter. Criteria: ACMG Guidelines, 2015. Collection method: not provided. Allele origin: germline. Inheritance: Autosomal recessive inheritance. Affected: yes.

OMIM
Classification: Benign for SLC39A8 POLYMORPHISM. Last evaluated: 2023-02-17. Review status: no assertion criteria provided. Collection method: literature only. Allele origin: germline. Not counted in ClinVar's aggregate classification.

Literature cited by the submitters: PubMed 27492617 (cited by Undiagnosed Diseases Network, NIH and OMIM); PubMed 36056013 (cited by Undiagnosed Diseases Network, NIH); PubMed 33139556 (cited by Undiagnosed Diseases Network, NIH and OMIM); PubMed 40963256 (cited by Undiagnosed Diseases Network, NIH); PubMed 39322808 (cited by Undiagnosed Diseases Network, NIH); PubMed 32897876 (cited by OMIM).